The following is an entry in ClinVar:

NM_001242896.3(DEPDC5):c.883C>T (p.Gln295Ter)

Gene: DEPDC5 (DEP domain containing 5, GATOR1 subcomplex subunit; plus strand). Cytogenetic location: 22q12.2.
Variant type: single nucleotide variant.
Coding change: c.883C>T on transcript NM_001242896.3 (MANE Select); coding-DNA position 883, C replaced by T.
Protein change: p.Gln295Ter; replaces glutamine 295 with a stop codon.
Molecular consequence: nonsense. On other transcripts: non-coding transcript variant (5).
Genome position (GRCh38, 1-based): chr22:31,798,593, C>T. VCF-style: chr22-31798593-C-T. GRCh37 (hg19) VCF-style: chr22-32194579-C-T.
Other names: c.883C>T, p.Gln295Ter (NM_001007188.4, NM_001136029.4, NM_001242897.2 and 7 more transcripts); c.799C>T, p.Gln267Ter (NM_001369901.1, NM_001369902.1); short protein forms Q267*, Q295*.
Identifiers: ClinVar variation 1458319 (VCV001458319.6), dbSNP rs2148587476, ClinGen allele CA411291539.
Genomic context (GRCh38, chr22:31,798,593, plus strand): 5'-GTTCATGTTTCATGAGATGTTTTTCTTTCTCTTGCATATTTTGCTTCAGAGGGCTTTCCT[C>T]AAGGAGATAATTCTACCTCAGCACAAGGAAACTACCTGGAGGCCATCAATCTGTCATTCA-3'

ClinVar aggregate classification (germline): Pathogenic (1 of 4 stars; one submission).

Conditions:
Familial focal epilepsy with variable foci (FPEVF). Identifiers: Orphanet 98820, MedGen C1858477, MONDO:0020310.

Submission:

Labcorp Genetics (formerly Invitae), Labcorp
Classification: Pathogenic for Familial focal epilepsy with variable foci. Last evaluated: 2023-09-27. Review status: criteria provided, single submitter. Criteria: Invitae Variant Classification Sherloc (09022015). Collection method: clinical testing. Allele origin: germline.
Comment: ClinVar contains an entry for this variant (Variation ID: 1458319). For these reasons, this variant has been classified as Pathogenic. This variant has not been reported in the literature in individuals affected with DEPDC5-related conditions. This variant is not present in population databases (gnomAD no frequency). This sequence change creates a premature translational stop signal (p.Gln295*) in the DEPDC5 gene. It is expected to result in an absent or disrupted protein product. Loss-of-function variants in DEPDC5 are known to be pathogenic (PMID: 23542697, 23542701).

Literature cited by the submitters: PubMed 23542697; PubMed 23542701.